The following is an entry in ClinVar:

NM_004369.4(COL6A3):c.3478G>A (p.Ala1160Thr)

Gene: COL6A3 (collagen type VI alpha 3 chain; minus strand). Cytogenetic location: 2q37.3.
Variant type: single nucleotide variant.
Coding change: c.3478G>A on transcript NM_004369.4 (MANE Select); coding-DNA position 3478, G replaced by A.
Protein change: p.Ala1160Thr; replaces alanine 1160 with threonine.
Molecular consequence: missense variant.
Genome position (GRCh38, 1-based): chr2:237,374,613, C>T on the plus strand (G>A on the coding strand, the complement: COL6A3 is on the minus strand). VCF-style: chr2-237374613-C-T. GRCh37 (hg19) VCF-style: chr2-238283256-C-T.
Other names: c.2257G>A, p.Ala753Thr (NM_057164.5); c.2860G>A, p.Ala954Thr (NM_057165.5, NM_057167.4); c.1657G>A, p.Ala553Thr (NM_057166.5); short protein forms A753T, A954T, A1160T, A553T.
Identifiers: ClinVar variation 3704241 (VCV003704241.3).

ClinVar aggregate classification (germline): Uncertain significance. Review status: criteria provided, multiple submitters, no conflicts (2 of 4 stars). 2 submissions from 2 submitters: Uncertain significance (2). Last evaluated 2024-12-15.

Conditions:
Bethlem myopathy 1A. Also called: MYOPATHY, BENIGN CONGENITAL, WITH CONTRACTURES; Bethlem myopathy 1; Bethlem Muscular Dystrophy. Identifiers: Orphanet 610, MedGen CN029274, MONDO:0024530, OMIM 158810.

gnomAD v4.1: 3 of 1,614,200 alleles (0.00019%); highest among the groups gnomAD compares: East Asian, 0.0022%; no homozygotes.

Submissions (2):

Labcorp Genetics (formerly Invitae), Labcorp
Classification: Uncertain significance for Bethlem myopathy 1A. Last evaluated: 2024-12-15. Review status: criteria provided, single submitter. Criteria: Invitae Variant Classification Sherloc (09022015). Collection method: clinical testing. Allele origin: germline.
Comment: This sequence change replaces alanine, which is neutral and non-polar, with threonine, which is neutral and polar, at codon 1160 of the COL6A3 protein (p.Ala1160Thr). This variant is not present in population databases (gnomAD no frequency). This variant has not been reported in the literature in individuals affected with COL6A3-related conditions. Invitae Evidence Modeling of protein sequence and biophysical properties (such as structural, functional, and spatial information, amino acid conservation, physicochemical variation, residue mobility, and thermodynamic stability) indicates that this missense variant is not expected to disrupt COL6A3 protein function with a negative predictive value of 80%. In summary, the available evidence is currently insufficient to determine the role of this variant in disease. Therefore, it has been classified as a Variant of Uncertain Significance.

Revvity Omics, Revvity
Classification: Uncertain significance. Last evaluated: 2023-10-27. Review status: criteria provided, single submitter. Criteria: ACMG Guidelines, 2015. Collection method: clinical testing. Allele origin: germline.